The following is an entry in ClinVar:

NM_001009999.3(KDM1A):c.2135G>T (p.Arg712Met)

Gene: KDM1A (lysine demethylase 1A; plus strand). Cytogenetic location: 1p36.12.
Variant type: single nucleotide variant.
Coding change: c.2135G>T on transcript NM_001009999.3 (MANE Select); coding-DNA position 2135, G replaced by T.
Protein change: p.Arg712Met; replaces arginine 712 with methionine.
Molecular consequence: missense variant.
Genome position (GRCh38, 1-based): chr1:23,079,632, G>T. VCF-style: chr1-23079632-G-T. GRCh37 (hg19) VCF-style: chr1-23406125-G-T.
Other names: c.2081G>T, p.Arg694Met (NM_001363654.2); c.2141G>T, p.Arg714Met (NM_001410762.1); c.2063G>T, p.Arg688Met (NM_001410763.1, NM_015013.4); short protein forms R688M, R694M, R714M, R712M.
Identifiers: ClinVar variation 5023057 (VCV005023057.1).

ClinVar aggregate classification (germline): Uncertain significance (1 of 4 stars; one submission).

Conditions:
Inborn genetic diseases. Identifiers: MedGen C0950123, MeSH D030342.

Submission:

Ambry Genetics
Classification: Uncertain significance for Inborn genetic diseases. Last evaluated: 2026-07-05. Review status: criteria provided, single submitter. Criteria: Ambry Variant Classification Scheme 2023. Collection method: clinical testing. Allele origin: germline.
Comment: The p.R712M variant (also known as c.2135G>T), located in coding exon 18 of the KDM1A gene, results from a G to T substitution at nucleotide position 2135. The arginine at codon 712 is replaced by methionine, an amino acid with similar properties. This amino acid position is conserved. In addition, this alteration is predicted to be deleterious by in silico analysis. Based on the available evidence, the clinical significance of this variant remains unclear.